The following is an entry in ClinVar:

NM_000051.4(ATM):c.3611G>A (p.Arg1204Lys)

Gene: ATM (ATM serine/threonine kinase; plus strand). Cytogenetic location: 11q22.3.
Variant type: single nucleotide variant.
Coding change: c.3611G>A on transcript NM_000051.4 (MANE Select); coding-DNA position 3611, G replaced by A.
Protein change: p.Arg1204Lys; replaces arginine 1204 with lysine.
Molecular consequence: missense variant.
Genome position (GRCh38, 1-based): chr11:108,282,744, G>A. VCF-style: chr11-108282744-G-A. GRCh37 (hg19) VCF-style: chr11-108153471-G-A.
Other names: c.3611G>A, p.Arg1204Lys (NM_001351834.2); short protein forms R1204K.
Identifiers: ClinVar variation 186589 (VCV000186589.12), dbSNP rs786203066, ClinGen allele CA195256.
Genomic context (GRCh38, chr11:108,282,744, plus strand): 5'-ACACATTGACTTTTTGGTTCGTGCAGGTTTTAGAGAAAGTTTCTGAAACTTTTGGATATA[G>A]ACGTTTAGAAGACTTTATGGCATCTCATTTAGATTATCTGGTTTTGGAATGGCTAAATCT-3'
Protein context (NP_000042.3, residues 1194-1214): LEKVSETFGY[Arg1204Lys]RLEDFMASHL

ClinVar aggregate classification (germline): Uncertain significance. Review status: criteria provided, multiple submitters, no conflicts (2 of 4 stars). 3 submissions from 3 submitters: Uncertain significance (3). Last evaluated 2025-08-22.

Conditions:
Hereditary cancer-predisposing syndrome. Also called: Hereditary Cancer Syndrome; Neoplastic Syndromes, Hereditary; Tumor predisposition; Hereditary neoplastic syndrome. Identifiers: Orphanet 140162, MedGen C0027672, MeSH D009386, MONDO:0015356.
Ataxia-telangiectasia syndrome (AT). Also called: Ataxia-telangiectasia, complementation group D; AT, COMPLEMENTATION GROUP C; ATAXIA-TELANGIECTASIA, COMPLEMENTATION GROUP A; ATAXIA-TELANGIECTASIA, FRESNO VARIANT; Ataxia-telangiectasia; LOUIS-BAR SYNDROME. Identifiers: Orphanet 100, MedGen C0004135, MONDO:0008840, OMIM 208900.

Submissions (3):

Ambry Genetics
Classification: Uncertain significance for Hereditary cancer-predisposing syndrome. Last evaluated: 2025-08-22. Review status: criteria provided, single submitter. Criteria: Ambry Variant Classification Scheme 2023. Collection method: clinical testing. Allele origin: germline.
Comment: The p.R1204K variant (also known as c.3611G>A), located in coding exon 24 of the ATM gene, results from a G to A substitution at nucleotide position 3611. The arginine at codon 1204 is replaced by lysine, an amino acid with highly similar properties. This amino acid position is not well conserved in available vertebrate species. In addition, this alteration is predicted to be tolerated by in silico analysis. Since supporting evidence is limited at this time, the clinical significance of this alteration remains unclear.

Labcorp Genetics (formerly Invitae), Labcorp
Classification: Uncertain significance for Ataxia-telangiectasia syndrome. Last evaluated: 2024-06-04. Review status: criteria provided, single submitter. Criteria: Invitae Variant Classification Sherloc (09022015). Collection method: clinical testing. Allele origin: germline.
Comment: This sequence change replaces arginine, which is basic and polar, with lysine, which is basic and polar, at codon 1204 of the ATM protein (p.Arg1204Lys). This variant is not present in population databases (gnomAD no frequency). This variant has not been reported in the literature in individuals affected with ATM-related conditions. ClinVar contains an entry for this variant (Variation ID: 186589). Algorithms developed to predict the effect of missense changes on protein structure and function output the following: SIFT: "Not Available"; PolyPhen-2: "Benign"; Align-GVGD: "Not Available". The lysine amino acid residue is found in multiple mammalian species, which suggests that this missense change does not adversely affect protein function. In summary, the available evidence is currently insufficient to determine the role of this variant in disease. Therefore, it has been classified as a Variant of Uncertain Significance.

Institute for Clinical Genetics, University Hospital TU Dresden, University Hospital TU Dresden
Classification: Uncertain significance. Last evaluated: 2021-11-03. Review status: criteria provided, single submitter. Criteria: ACMG Guidelines, 2015. Collection method: clinical testing. Allele origin: germline.